The following is an entry in ClinVar:

NM_000371.4(TTR):c.250T>A (p.Phe84Ile)

Gene: TTR (transthyretin; plus strand). Cytogenetic location: 18q12.1.
Variant type: single nucleotide variant.
Coding change: c.250T>A on transcript NM_000371.4 (MANE Select); coding-DNA position 250, T replaced by A.
Protein change: p.Phe84Ile; replaces phenylalanine 84 with isoleucine.
Molecular consequence: missense variant.
Genome position (GRCh38, 1-based): chr18:31,595,169, T>A. VCF-style: chr18-31595169-T-A. GRCh37 (hg19) VCF-style: chr18-29175132-T-A.
Other names: short protein forms F84I.
Identifiers: ClinVar variation 4615388 (VCV004615388.1).

ClinVar aggregate classification (germline): Likely pathogenic (1 of 4 stars; one submission).

Conditions:
Cardiovascular phenotype. Identifiers: MedGen CN230736.

Submission:

Ambry Genetics
Classification: Likely pathogenic for Cardiovascular phenotype. Last evaluated: 2025-11-17. Review status: criteria provided, single submitter. Criteria: Ambry Variant Classification Scheme 2023. Collection method: clinical testing. Allele origin: germline.
Comment: The p.F84I variant (also known as c.250T>A), located in coding exon 3 of the TTR gene, results from a T to A substitution at nucleotide position 250. The phenylalanine at codon 84 is replaced by isoleucine, an amino acid with highly similar properties. This variant, also described as p.F64I, was reported in individual(s) with features consistent with hereditary transthyretin-related amyloidosis (Tarquini R et al. Amyloid, 2007 Dec;14:289-92; Beauvais D et al. J Neurol Neurosurg Psychiatry, 2024 May;95:489-499). Other variant(s) at the same codon, p.F84L (c.250T>C), have been identified in individual(s) with features consistent with hereditary transthyretin-related amyloidosis (Ii S et al. Neurology. 1991;41(6):893-8). In an assay testing TTR function, this variant showed a functionally indeterminant result (Ibrahim RB et al. Cell Mol Life Sci, 2020 Apr;77:1421-1434). Based on internal structural analysis, this variant is more disruptive than known pathogenic variants (Yokoyama T et al. J Med Chem, 2021 Oct;64:14344-14357). This amino acid position is highly conserved in available vertebrate species. In addition, this alteration is predicted to be deleterious by in silico analysis. This variant is considered to be rare based on population cohorts in the Genome Aggregation Database (gnomAD). Based on the majority of available evidence to date, this variant is likely to be pathogenic.

Literature cited by the submitters: PubMed 17968689; PubMed 31728576; PubMed 34547896; PubMed 37875336.